The following is an entry in ClinVar:

NM_001375380.1(EBF3):c.456_459dup (p.Leu154fs)

Gene: EBF3 (EBF transcription factor 3; minus strand). Cytogenetic location: 10q26.3.
Variant type: Microsatellite.
Coding change: c.456_459dup on transcript NM_001375380.1 (MANE Select); coding-DNA positions 456 to 459, 4 bases duplicated (TGTG; older notation c.456_459dupTGTG).
Protein change: p.Leu154fs; shifts the reading frame from leucine 154.
Molecular consequence: frameshift variant.
Genome position (GRCh38, 1-based): chr10:129,958,960-129,958,963, CACA duplicated on the plus strand (TGTG on the coding strand, the reverse complement: EBF3 is on the minus strand); duplicating any 4 consecutive bases within chr10:129,958,960-129,958,964 gives the same sequence; the c. name uses the placement nearest the transcript's 3' end. VCF-style (leftmost placement, unchanged base first): chr10-129958959-G-GCACA. GRCh37 (hg19) VCF-style: chr10-131757223-G-GCACA.
Other names: c.456_459dup, p.Leu154fs (NM_001005463.3, NM_001375379.1, NM_001375389.1 and 3 more transcripts); short protein forms L154fs.
Identifiers: ClinVar variation 4814216 (VCV004814216.1).

ClinVar aggregate classification (germline): Likely pathogenic (1 of 4 stars; one submission).

Conditions:
Hhypotonia, ataxia, and delayed development syndrome.

Submission:

Rady Children's Institute for Genomic Medicine, Rady Children's Hospital San Diego
Classification: Likely pathogenic for Hhypotonia, ataxia, and delayed development syndrome. Last evaluated: 2025-06-18. Review status: criteria provided, single submitter. Criteria: ACMG Guidelines, 2015. Collection method: clinical testing. Allele origin: germline. Affected: yes.
Comment: This frameshifting variant in exon 5 of 17 is predicted to result in loss of normal protein function through either protein truncation or nonsense-mediated mRNA decay. Loss-of-function variation in EBF3 is an established mechanism of disease in hypotonia, ataxia, and delayed development syndrome (PMID: 28017370, 28017372, 28017373, 34050706). This variant has not been previously reported or functionally characterized in the literature to our knowledge. The c.456_459dup (p.Leu154CysfsTer14) variant is absent from the latest version of the gnomAD population database and thus is presumed to be rare. Based on the available evidence, c.456_459dup (p.Leu154CysfsTer14) is classified as Likely Pathogenic.

Literature cited by the submitters: PubMed 28017370; PubMed 28017372; PubMed 28017373; PubMed 34050706.